The following is an entry in ClinVar:

GRCh38/hg38 3q25.32-26.31(chr3:158141556-172788324)x3

Genes: LRRC31 (leucine rich repeat containing 31; minus strand), LRRC34 (leucine rich repeat containing 34; minus strand), LRRIQ4 (leucine rich repeats and IQ motif containing 4; plus strand), LXN (latexin; minus strand), MECOM (MDS1 and EVI1 complex locus; minus strand) and 301 more. Cytogenetic location: 3q25.32-26.31.
Variant type: copy number gain.
Change: copy number 3 (three copies instead of two) of chr3:158,141,556-172,788,324 (14.65 Mb, GRCh38 coordinates, 1-based), cytogenetic band 3q25.32-26.31.
Identifiers: ClinVar variation 57993 (VCV000057993.1).

ClinVar aggregate classification (germline): Pathogenic (1 of 4 stars; one submission).

Submission:

ISCA site 4
Classification: Pathogenic. Last evaluated: 2011-08-12. Review status: criteria provided, single submitter. Criteria: Kaminsky et al. (Genet Med. 2011). Collection method: clinical testing. Allele origin: unknown. Affected: yes. Observed: 1 variant allele.
Comment: Copy number variation identified through the course of routine clinical cytogenomic testing in postnatal populations. Clinical assertions have been curated as described in Kaminsky et al. 2011.